The following is an entry in ClinVar:

ClinVar aggregate classification (germline): Conflicting classifications of pathogenicity. Review status: criteria provided, conflicting classifications (1 of 4 stars). 2 submissions from 2 submitters: Uncertain significance (1); Benign (1). Last evaluated 2023-11-22.

Conditions:
Ehlers-Danlos syndrome, classic type, 1 (EDSCL1). Also called: Ehlers-Danlos Syndrome, Classic Type, COL5A1-Related; EDS I; Ehlers-Danlos syndrome, type 1; EHLERS-DANLOS SYNDROME, GRAVIS TYPE; EHLERS-DANLOS SYNDROME, SEVERE CLASSIC TYPE. Identifiers: MedGen C0268335, MONDO:0019567, OMIM 130000.

Allele frequency attached by ClinVar (database versions not stated): ExAC 0.00014; 1000 Genomes Project 30x 0.00016; 1000 Genomes Project 0.00020; TOPMed 0.00002; gnomAD exomes 0.00010 and 0.00005; gnomAD below 0.00001 and 0.00002.
gnomAD v4.1: 79 of 1,614,204 alleles (0.0049%); highest among the groups gnomAD compares: South Asian, 0.082%; no homozygotes.

Submissions (2):

Labcorp Genetics (formerly Invitae), Labcorp
Classification: Benign for Ehlers-Danlos syndrome, classic type, 1. Last evaluated: 2023-11-22. Review status: criteria provided, single submitter. Criteria: Invitae Variant Classification Sherloc (09022015). Collection method: clinical testing. Allele origin: germline.

GeneDx
Classification: Uncertain significance. Last evaluated: 2019-09-11. Review status: criteria provided, single submitter. Criteria: GeneDx Variant Classification Process June 2021. Collection method: clinical testing. Allele origin: germline. Affected: yes.
Comment: Reported in ClinVar as a variant of uncertain significance (ClinVar Variant ID# 529272; Landrum et al., 2016); In silico analysis, which includes protein predictors and evolutionary conservation, supports that this variant does not alter protein structure/function; Not located in the triple helical region, where the majority of pathogenic missense variants occur (Symoens et al., 2012; Stenson et al., 2014); This variant is associated with the following publications: (PMID: 28750028)

NM_000093.5(COL5A1):c.983G>A (p.Gly328Glu)

Gene: COL5A1 (collagen type V alpha 1 chain; plus strand). Cytogenetic location: 9q34.3.
Variant type: single nucleotide variant.
Coding change: c.983G>A on transcript NM_000093.5 (MANE Select); coding-DNA position 983, G replaced by A.
Protein change: p.Gly328Glu; replaces glycine 328 with glutamic acid.
Molecular consequence: missense variant.
Genome position (GRCh38, 1-based): chr9:134,730,294, G>A. VCF-style: chr9-134730294-G-A. GRCh37 (hg19) VCF-style: chr9-137622140-G-A.
Other names: c.983G>A (NM_000093.3); c.983G>A, p.Gly328Glu (NM_001278074.1); short protein forms G328E.
Identifiers: ClinVar variation 529272 (VCV000529272.12), dbSNP rs576742644, ClinGen allele CA5318610.